The following is an entry in ClinVar:

ClinVar aggregate classification (germline): Uncertain significance (1 of 4 stars; one submission).

Conditions:
Kabuki syndrome 1 (KABUK1). Also called: KMT2D-Related Kabuki Syndrome. Identifiers: Orphanet 2322, MedGen CN030661, MONDO:0007843, OMIM 147920.

Submission:

OLLIN Analises Genomicas, OLLIN
Classification: Uncertain significance for Kabuki syndrome 1. Last evaluated: 2026-08-06. Review status: criteria provided, single submitter. Criteria: ACMG Guidelines 2015 PMID 25741868. Collection method: clinical testing. Allele origin: germline. Inheritance: Autosomal dominant inheritance.
Comment: This missense variant, located in exon 32 (of 55), is absent from gnomAD and ClinVar and has not been identified in the literature. In silico analysis predicts that this variant has a tolerated effect. According to the currently available evidence, this variant has been classified as uncertain significance (PM2_P, BP4_M).

NM_003482.4(KMT2D):c.7625T>C (p.Val2542Ala)

Gene: KMT2D (lysine methyltransferase 2D; minus strand). Cytogenetic location: 12q13.12.
Variant type: single nucleotide variant.
Coding change: c.7625T>C on transcript NM_003482.4 (MANE Select); coding-DNA position 7625, T replaced by C.
Protein change: p.Val2542Ala; replaces valine 2542 with alanine.
Molecular consequence: missense variant.
Genome position (GRCh38, 1-based): chr12:49,040,145, A>G on the plus strand (T>C on the coding strand, the complement: KMT2D is on the minus strand). VCF-style: chr12-49040145-A-G. GRCh37 (hg19) VCF-style: chr12-49433928-A-G.
Other names: short protein forms V2542A.
Identifiers: ClinVar variation 5002877 (VCV005002877.1).
Genomic context (GRCh38, chr12:49,040,145, plus strand): 5'-ATCCCATGGGGTGGCGGGAGACCAGGCTGAGGGACAGGGGGCTTTAGGGAAGGCTCCCCT[A>G]CTGCCTGAGGGAAAGTGAAACGCATGGGAGAGGGGGTGCCCACAAATGCACCCGTCCCAG-3'
Protein context (NP_003473.3, residues 2532-2552): SPMRFTFPQA[Val2542Ala]GEPSLKPPVP